The following is an entry in ClinVar:

NM_002282.3(KRT83):c.385-9G>C

Gene: KRT83 (keratin 83; minus strand). Cytogenetic location: 12q13.13.
Variant type: single nucleotide variant.
Coding change: c.385-9G>C on transcript NM_002282.3 (MANE Select); 9 bases into the intron before coding-DNA position 385, G replaced by C.
Molecular consequence: intron variant.
Genome position (GRCh38, 1-based): chr12:52,319,373, C>G on the plus strand (G>C on the coding strand, the complement: KRT83 is on the minus strand). VCF-style: chr12-52319373-C-G. GRCh37 (hg19) VCF-style: chr12-52713157-C-G.
Identifiers: ClinVar variation 3043349 (VCV003043349.2), dbSNP rs752717669, ClinGen allele CA6577695.

ClinVar aggregate classification (germline): Likely benign (0 of 4 stars; one submission).

Conditions:
KRT83-related disorder. Also called: KRT83-related condition.

Allele frequency attached by ClinVar (database versions not stated): ExAC 0.00001; gnomAD 0.00001; TOPMed 0.00003.
gnomAD v4.1: 7 of 1,613,692 alleles (0.00043%); highest among the groups gnomAD compares: African/African-American, 0.0093%; no homozygotes.

Submission:

PreventionGenetics, part of Exact Sciences
Classification: Likely benign for KRT83-related condition. Last evaluated: 2020-01-02. Review status: no assertion criteria provided. Collection method: clinical testing. Allele origin: germline.
Comment: This variant is classified as likely benign based on ACMG/AMP sequence variant interpretation guidelines (Richards et al. 2015 PMID: 25741868, with internal and published modifications).